The following is an entry in ClinVar:

ClinVar aggregate classification (germline): Uncertain significance (1 of 4 stars; one submission).

Conditions:
PKD1L1-related disorder. Also called: PKD1L1-related condition.

Submission:

PreventionGenetics, part of Exact Sciences
Classification: Uncertain significance for PKD1L1-related condition. Last evaluated: 2026-05-12. Review status: criteria provided, single submitter. Criteria: ACMG Guidelines, 2015. Collection method: clinical testing. Allele origin: germline.
Comment: The PKD1L1 c.2577_2585delinsACACAAGGAACTGAT variant is predicted to result in an in-frame deletion and insertion. To our knowledge, this variant has not been reported in the literature or in a large population database (gnomAD), indicating this variant is rare. At this time, the clinical significance of this variant is uncertain due to the absence of conclusive functional and genetic evidence.

NM_138295.5(PKD1L1):c.2577_2585delinsACACAAGGAACTGAT (p.Ser859_Gln862delinsArgHisLysGluLeuMet)

Gene: PKD1L1 (polycystin 1 like 1, transient receptor potential channel interacting; minus strand). Cytogenetic location: 7p12.3.
Variant type: Indel.
Coding change: c.2577_2585delinsACACAAGGAACTGAT on transcript NM_138295.5 (MANE Select); coding-DNA positions 2577 to 2585, CTATGATCA replaced by ACACAAGGAACTGAT.
Protein change: p.Ser859_Gln862delinsArgHisLysGluLeuMet.
Molecular consequence: inframe indel.
Genome position (GRCh38, 1-based): chr7:47,890,632-47,890,640, TGATCATAG replaced by ATCAGTTCCTTGTGT on the plus strand (CTATGATCA replaced by ACACAAGGAACTGAT on the coding strand, the reverse complement: PKD1L1 is on the minus strand). VCF-style: chr7-47890632-TGATCATAG-ATCAGTTCCTTGTGT. GRCh37 (hg19) VCF-style: chr7-47930230-TGATCATAG-ATCAGTTCCTTGTGT.
Identifiers: ClinVar variation 4995795 (VCV004995795.1).